The following is an entry in ClinVar:

NM_000257.4(MYH7):c.5435T>A (p.Leu1812Gln)

Gene: MYH7 (myosin heavy chain 7; minus strand). Cytogenetic location: 14q11.2.
Variant type: single nucleotide variant.
Coding change: c.5435T>A on transcript NM_000257.4 (MANE Select); coding-DNA position 5435, T replaced by A.
Protein change: p.Leu1812Gln; replaces leucine 1812 with glutamine.
Molecular consequence: missense variant.
Genome position (GRCh38, 1-based): chr14:23,415,119, A>T on the plus strand (T>A on the coding strand, the complement: MYH7 is on the minus strand). VCF-style: chr14-23415119-A-T. GRCh37 (hg19) VCF-style: chr14-23884328-A-T.
Other names: c.5435T>A, p.Leu1812Gln (NM_001407004.1); short protein forms L1812Q.
Identifiers: ClinVar variation 4801907 (VCV004801907.1).
Genomic context (GRCh38, chr14:23,415,119, plus strand): 5'-CGCTTCTGCTCGGCCTCCAGCTCATTCTCCAGCTCCCGCACCCGCGCTTCCAGCTTCTGC[A>T]GCTGCTTCTTGCCGCCCTTGAGGGCGATCTGCTCGGCTTCGTCCAGCCGGTGCTGCAGGT-3'
Protein context (NP_000248.2, residues 1802-1822): QIALKGGKKQ[Leu1812Gln]QKLEARVREL

ClinVar aggregate classification (germline): Uncertain significance (1 of 4 stars; one submission).

Conditions:
Hypertrophic cardiomyopathy. Also called: HYPERTROPHIC MYOCARDIOPATHY. Identifiers: Orphanet 217569, MedGen C0007194, MeSH D002312, MONDO:0005045, HP:0001639.

Submission:

Labcorp Genetics (formerly Invitae), Labcorp
Classification: Uncertain significance for Hypertrophic cardiomyopathy. Last evaluated: 2025-09-23. Review status: criteria provided, single submitter. Criteria: Invitae Variant Classification Sherloc (09022015). Collection method: clinical testing. Allele origin: germline.
Comment: This sequence change replaces leucine, which is neutral and non-polar, with glutamine, which is neutral and polar, at codon 1812 of the MYH7 protein (p.Leu1812Gln). This variant is not present in population databases (gnomAD no frequency). This variant has not been reported in the literature in individuals affected with MYH7-related conditions. Invitae Evidence Modeling of protein sequence and biophysical properties (such as structural, functional, and spatial information, amino acid conservation, physicochemical variation, residue mobility, and thermodynamic stability) indicates that this missense variant is expected to disrupt MYH7 protein function with a positive predictive value of 95%. In summary, the available evidence is currently insufficient to determine the role of this variant in disease. Therefore, it has been classified as a Variant of Uncertain Significance.